The following is an entry in ClinVar:

ClinVar aggregate classification (germline): Likely pathogenic. Review status: criteria provided, multiple submitters, no conflicts (2 of 4 stars). 3 submissions from 3 submitters: Likely pathogenic (3). Last evaluated 2025-04-18.

Conditions:
Pheochromocytoma/paraganglioma syndrome 5. Also called: Paragangliomas 5; SDHA-Related Hereditary Paraganglioma-Pheochromocytoma Syndrome. Identifiers: Orphanet 29072, MedGen C3279992, MONDO:0013602, OMIM 614165.
Dilated cardiomyopathy 1GG (CMD1GG). Identifiers: Orphanet 154, MedGen C3150898, MONDO:0013339, OMIM 613642.
Hereditary cancer-predisposing syndrome. Also called: Neoplastic Syndromes, Hereditary; Hereditary Cancer Syndrome; Hereditary neoplastic syndrome; Tumor predisposition. Identifiers: Orphanet 140162, MedGen C0027672, MeSH D009386, MONDO:0015356.

Submissions (3):

Ambry Genetics
Classification: Likely pathogenic for Hereditary cancer-predisposing syndrome. Last evaluated: 2025-04-18. Review status: criteria provided, single submitter. Criteria: Ambry Variant Classification Scheme 2023. Collection method: clinical testing. Allele origin: germline.
Comment: The c.1832delA variant, located in coding exon 14 of the SDHA gene, results from a deletion of one nucleotide at nucleotide position 1832, causing a translational frameshift with a predicted alternate stop codon (p.Q611Rfs*34). This alteration occurs at the 3' terminus of theSDHA gene, is not expected to trigger nonsense-mediated mRNA decay, and only impacts the last 54 amino acids (8.1%) of the protein. However, premature stop codons are typically deleterious in nature, and the impacted region is critical for protein function (Ambry internal data). Based on internal structural analysis, this variant also disrupts a salt-bridge which is critical to SDHA flavination (Kim HJ et al. J Biol Chem, 2012 Nov;287:40670-9; Huang S et al. Plant Signal Behav, 2013 Feb;8:e22815; Inaoka DK et al. Int J Mol Sci, 2015 Jul;16:15287-308; Starbird CA et al. J Biol Chem, 2017 08;292:12921-12933; Sharma P et al. Proc Natl Acad Sci U S A, 2020 09;117:23548-23556). This variant is considered to be rare based on population cohorts in the Genome Aggregation Database (gnomAD). Based on the majority of available evidence to date, this variant is likely to be pathogenic.

Myriad Genetics, Inc.
Classification: Likely pathogenic for Pheochromocytoma/paraganglioma syndrome 5. Last evaluated: 2024-07-18. Review status: criteria provided, single submitter. Criteria: Myriad Autosomal Dominant, Autosomal Recessive and X-Linked Classification Criteria (2023). Collection method: clinical testing. Allele origin: unknown.
Comment: This variant is considered likely pathogenic. This variant creates a frameshift predicted to result in premature protein truncation.

Baylor Genetics
Classification: Likely pathogenic for Dilated cardiomyopathy 1GG. Last evaluated: 2022-07-09. Review status: criteria provided, single submitter. Criteria: ACMG Guidelines, 2015. Collection method: clinical testing. Allele origin: unknown.

Literature cited by the submitters: PubMed 23043141 (cited by Ambry Genetics); PubMed 23154507 (cited by Ambry Genetics); PubMed 26198225 (cited by Ambry Genetics); PubMed 28615448 (cited by Ambry Genetics); PubMed 32887801 (cited by Ambry Genetics).

NM_004168.4(SDHA):c.1832del (p.Gln611fs)

Gene: SDHA (succinate dehydrogenase complex flavoprotein subunit A; plus strand). Cytogenetic location: 5p15.33.
Variant type: Deletion.
Coding change: c.1832del on transcript NM_004168.4 (MANE Select); coding-DNA position 1832, one base deleted (A; older notation c.1832delA).
Protein change: p.Gln611fs; shifts the reading frame from glutamine 611.
Molecular consequence: frameshift variant.
Genome position (GRCh38, 1-based): chr5:254,430, A deleted. VCF-style (leftmost placement, unchanged base first): chr5-254429-CA-C. GRCh37 (hg19) VCF-style: chr5-254544-CA-C.
Other names: c.1688del, p.Gln563fs (NM_001294332.2); c.1589del, p.Gln530fs (NM_001330758.2); short protein forms Q530fs, Q563fs, Q611fs.
Identifiers: ClinVar variation 480801 (VCV000480801.8), dbSNP rs1554002451, ClinGen allele CA658657414.